The following is an entry in ClinVar:

NM_004924.6(ACTN4):c.1734G>A (p.Pro578=)

Gene: ACTN4 (actinin alpha 4; plus strand). Cytogenetic location: 19q13.2.
Variant type: single nucleotide variant.
Coding change: c.1734G>A on transcript NM_004924.6 (MANE Select); coding-DNA position 1734, G replaced by A.
Protein change: p.Pro578=; no amino-acid change (proline 578 retained).
Molecular consequence: synonymous variant.
Genome position (GRCh38, 1-based): chr19:38,724,198, G>A. VCF-style: chr19-38724198-G-A. GRCh37 (hg19) VCF-style: chr19-39214838-G-A.
Other names: c.1734G>A (NM_004924.5); c.1734G>A, p.Pro578= (NM_001322033.2).
Identifiers: ClinVar variation 1166801 (VCV001166801.26), dbSNP rs150938830, ClinGen allele CA9417765.

ClinVar aggregate classification (germline): Benign/Likely benign. Review status: criteria provided, multiple submitters, no conflicts (2 of 4 stars). 5 submissions from 5 submitters: Benign (1); Likely benign (3). 1 of the submissions does not count toward it. Last evaluated 2025-07-20.

Conditions:
ACTN4-related disorder. Also called: ACTN4-related condition.

Allele frequency attached by ClinVar (database versions not stated): TOPMed 0.00022; ESP Exome Variant Server 0.00038; gnomAD 0.00038 and 0.00039; gnomAD exomes 0.00048; ExAC 0.00065.
gnomAD v4.1: 750 of 1,613,852 alleles (0.046%); highest among the groups gnomAD compares: Middle Eastern, 0.066%; 1 homozygote.

Submissions (5):

Labcorp Genetics (formerly Invitae), Labcorp
Classification: Benign. Last evaluated: 2025-07-20. Review status: criteria provided, single submitter. Criteria: Invitae Variant Classification Sherloc (09022015). Collection method: clinical testing. Allele origin: germline.

Laboratory of Genetics, Children's Clinical University Hospital Latvia
Classification: Likely benign. Last evaluated: 2025-02-16. Review status: criteria provided, single submitter. Criteria: ACMG Guidelines, 2015. Collection method: clinical testing. Allele origin: germline. Affected: yes.

CeGaT Center for Human Genetics Tuebingen
Classification: Likely benign. Last evaluated: 2025-01-01. Review status: criteria provided, single submitter. Criteria: CeGaT Center For Human Genetics Tuebingen Variant Classification Criteria Version 2. Collection method: clinical testing. Allele origin: germline. Affected: yes. Observed: 1 variant allele.
Comment: ACTN4: BP4, BP7

Blueprint Genetics
Classification: Likely benign. Last evaluated: 2024-09-16. Review status: criteria provided, single submitter. Criteria: ACMG Guidelines, 2015. Collection method: clinical testing. Allele origin: germline.

PreventionGenetics, part of Exact Sciences
Classification: Likely benign for ACTN4-related condition. Last evaluated: 2022-12-16. Review status: no assertion criteria provided. Collection method: clinical testing. Allele origin: germline. Not counted in ClinVar's aggregate classification.
Comment: This variant is classified as likely benign based on ACMG/AMP sequence variant interpretation guidelines (Richards et al. 2015 PMID: 25741868, with internal and published modifications).